The following is an entry in ClinVar:

ClinVar aggregate classification (germline): Likely benign (1 of 4 stars; one submission).

gnomAD v4.1: 3 of 1,602,952 alleles (0.00019%); highest among the groups gnomAD compares: South Asian, 0.0022%; no homozygotes.

Submission:

CeGaT Center for Human Genetics Tuebingen
Classification: Likely benign. Last evaluated: 2026-01-01. Review status: criteria provided, single submitter. Criteria: CeGaT Center For Human Genetics Tuebingen Variant Classification Criteria Version 2. Collection method: clinical testing. Allele origin: germline. Affected: yes. Observed: 1 variant allele.
Comment: MLLT3: BP4, BP7

NM_004529.4(MLLT3):c.492C>T (p.Ser164=)

Gene: MLLT3 (MLLT3 super elongation complex subunit; minus strand). Cytogenetic location: 9p21.3.
Variant type: single nucleotide variant.
Coding change: c.492C>T on transcript NM_004529.4 (MANE Select); coding-DNA position 492, C replaced by T.
Protein change: p.Ser164=; no amino-acid change (serine 164 retained).
Molecular consequence: synonymous variant.
Genome position (GRCh38, 1-based): chr9:20,414,354, G>A on the plus strand (C>T on the coding strand, the complement: MLLT3 is on the minus strand). VCF-style: chr9-20414354-G-A. GRCh37 (hg19) VCF-style: chr9-20414352-G-A.
Other names: c.483C>T, p.Ser161= (NM_001286691.2).
Identifiers: ClinVar variation 4820723 (VCV004820723.4).